The following is an entry in ClinVar:

NM_005228.5(EGFR):c.2698T>C (p.Tyr900His)

Gene: EGFR (epidermal growth factor receptor; plus strand). Cytogenetic location: 7p11.2.
Variant type: single nucleotide variant.
Coding change: c.2698T>C on transcript NM_005228.5 (MANE Select); coding-DNA position 2698, T replaced by C.
Protein change: p.Tyr900His; replaces tyrosine 900 with histidine.
Molecular consequence: missense variant.
Genome position (GRCh38, 1-based): chr7:55,192,838, T>C. VCF-style: chr7-55192838-T-C. GRCh37 (hg19) VCF-style: chr7-55260531-T-C.
Other names: c.2563T>C, p.Tyr855His (NM_001346897.2, NM_001346899.2); c.2698T>C, p.Tyr900His (NM_001346898.2); c.2539T>C, p.Tyr847His (NM_001346900.2); c.1897T>C, p.Tyr633His (NM_001346941.2); short protein forms Y900H, Y855H, Y633H, Y847H.
Identifiers: ClinVar variation 4826843 (VCV004826843.1).

ClinVar aggregate classification (germline): Uncertain significance (1 of 4 stars; one submission).

Conditions:
Hereditary cancer-predisposing syndrome. Also called: Neoplastic Syndromes, Hereditary; Tumor predisposition; Hereditary Cancer Syndrome; Hereditary neoplastic syndrome. Identifiers: Orphanet 140162, MedGen C0027672, MeSH D009386, MONDO:0015356.

Submission:

Ambry Genetics
Classification: Uncertain significance for Hereditary cancer-predisposing syndrome. Last evaluated: 2026-03-01. Review status: criteria provided, single submitter. Criteria: Ambry Variant Classification Scheme 2023. Collection method: clinical testing. Allele origin: germline.
Comment: The p.Y900H variant (also known as c.2698T>C), located in coding exon 22 of the EGFR gene, results from a T to C substitution at nucleotide position 2698. The tyrosine at codon 900 is replaced by histidine, an amino acid with similar properties. This amino acid position is conserved. In addition, this alteration is predicted to be deleterious by in silico analysis. Based on the available evidence, the clinical significance of this variant remains unclear.